The following is an entry in ClinVar:

NM_001374828.1(ARID1B):c.5641G>A (p.Asp1881Asn)

Gene: ARID1B (AT-rich interaction domain 1B; plus strand). Cytogenetic location: 6q25.3.
Variant type: single nucleotide variant.
Coding change: c.5641G>A on transcript NM_001374828.1 (MANE Select); coding-DNA position 5641, G replaced by A.
Protein change: p.Asp1881Asn; replaces aspartic acid 1881 with asparagine.
Molecular consequence: missense variant.
Genome position (GRCh38, 1-based): chr6:157,206,413, G>A. VCF-style: chr6-157206413-G-A. GRCh37 (hg19) VCF-style: chr6-157527547-G-A.
Other names: c.5272G>A (NM_020732.3); c.3142G>A, p.Asp1048Asn (NM_001363725.2); c.5521G>A, p.Asp1841Asn (NM_001371656.1, NM_001374820.1); c.5482G>A, p.Asp1828Asn (NM_017519.3); short protein forms D1841N, D1881N, D1048N, D1828N.
Identifiers: ClinVar variation 1606338 (VCV001606338.30), dbSNP rs370789207, ClinGen allele CA4067875.

ClinVar aggregate classification (germline): Likely benign. Review status: criteria provided, multiple submitters, no conflicts (2 of 4 stars). 4 submissions from 4 submitters: Likely benign (4). Last evaluated 2026-09-23.

Conditions:
ARID1B-Related Disorder. Identifiers: MedGen CN381337.
Inborn genetic diseases. Identifiers: MedGen C0950123, MeSH D030342.

Allele frequency attached by ClinVar (database versions not stated): TOPMed below 0.00001; gnomAD 0.00001 and 0.00004; gnomAD exomes 0.00005 and 0.00013; ESP Exome Variant Server 0.00008; ExAC 0.00013; 1000 Genomes Project 30x 0.00016; 1000 Genomes Project 0.00020.
gnomAD v4.1: 82 of 1,614,160 alleles (0.0051%); highest among the groups gnomAD compares: South Asian, 0.066%; 1 homozygote.

Submissions (4):

PreventionGenetics, part of Exact Sciences
Classification: Likely benign for ARID1B-related condition. Last evaluated: 2026-09-23. Review status: criteria provided, single submitter. Criteria: ACMG Guidelines, 2015. Collection method: clinical testing. Allele origin: germline.
Comment: This variant is classified as likely benign based on ACMG/AMP sequence variant interpretation guidelines (Richards et al. 2015 PMID: 25741868, with internal and published modifications).

Labcorp Genetics (formerly Invitae), Labcorp
Classification: Likely benign. Last evaluated: 2025-02-27. Review status: criteria provided, single submitter. Criteria: Invitae Variant Classification Sherloc (09022015). Collection method: clinical testing. Allele origin: germline.

CeGaT Center for Human Genetics Tuebingen
Classification: Likely benign. Last evaluated: 2024-05-01. Review status: criteria provided, single submitter. Criteria: CeGaT Center For Human Genetics Tuebingen Variant Classification Criteria Version 2. Collection method: clinical testing. Allele origin: germline. Affected: yes. Observed: 1 variant allele.
Comment: ARID1B: BP4, BS1

Ambry Genetics
Classification: Likely benign for Inborn genetic diseases. Last evaluated: 2023-05-16. Review status: criteria provided, single submitter. Criteria: Ambry Variant Classification Scheme 2023. Collection method: clinical testing. Allele origin: germline.